The following is an entry in ClinVar:

ClinVar aggregate classification (germline): Benign/Likely benign. Review status: criteria provided, multiple submitters, no conflicts (2 of 4 stars). 6 submissions from 6 submitters: Benign (1); Likely benign (5). Last evaluated 2025-09-03.

Conditions:
Hereditary cancer-predisposing syndrome. Also called: Hereditary Cancer Syndrome; Tumor predisposition; Neoplastic Syndromes, Hereditary; Hereditary neoplastic syndrome. Identifiers: Orphanet 140162, MedGen C0027672, MeSH D009386, MONDO:0015356.
Familial adenomatous polyposis 1 (FAP1). Also called: FAMILIAL ADENOMATOUS POLYPOSIS 1, ATTENUATED; POLYPOSIS, ADENOMATOUS INTESTINAL. Identifiers: MedGen C2713442, MONDO:0021056, OMIM 175100. Disease mechanism: loss of function.
Classic or attenuated familial adenomatous polyposis. Identifiers: MedGen CN372698, MONDO:0021057.

Submissions (6):

Labcorp Genetics (formerly Invitae), Labcorp
Classification: Likely benign for Familial adenomatous polyposis 1. Last evaluated: 2025-09-03. Review status: criteria provided, single submitter. Criteria: Invitae Variant Classification Sherloc (09022015). Collection method: clinical testing. Allele origin: germline.

Ambry Genetics
Classification: Likely benign for Hereditary cancer-predisposing syndrome. Last evaluated: 2024-05-04. Review status: criteria provided, single submitter. Criteria: Ambry Variant Classification Scheme 2023. Collection method: clinical testing. Allele origin: germline.

Myriad Genetics, Inc.
Classification: Benign for Familial adenomatous polyposis 1. Last evaluated: 2024-04-01. Review status: criteria provided, single submitter. Criteria: Myriad Autosomal Dominant, Autosomal Recessive and X-Linked Classification Criteria (2023). Collection method: clinical testing. Allele origin: unknown.
Comment: This variant is considered benign. This variant is a silent/synonymous amino acid change and it is not expected to impact splicing.

All of Us Research Program, National Institutes of Health
Classification: Likely benign for Classic or attenuated familial adenomatous polyposis. Last evaluated: 2023-11-30. Review status: criteria provided, single submitter. Criteria: ACMG Guidelines, 2015. Collection method: clinical testing. Allele origin: germline. Inheritance: Autosomal dominant inheritance. Observed: 1 variant allele, 1 heterozygote.
Comment: This study involves interpretation of variants in research participants for the purpose of population health screening. Participant phenotype was not available at the time of variant classification. Additional details can be found in publication PMID: 35346344, PMCID: PMC8962531

Color Diagnostics, LLC DBA Color Health
Classification: Likely benign for Hereditary cancer-predisposing syndrome. Last evaluated: 2021-06-29. Review status: criteria provided, single submitter. Criteria: ACMG Guidelines, 2015. Collection method: clinical testing. Allele origin: germline.

GeneDx
Classification: Likely benign. Last evaluated: 2019-04-23. Review status: criteria provided, single submitter. Criteria: GeneDx Variant Classification Process June 2021. Collection method: clinical testing. Allele origin: germline. Affected: yes.

NM_000038.6(APC):c.5205G>C (p.Gly1735=)

Gene: APC (APC regulator of Wnt signaling pathway; plus strand). Cytogenetic location: 5q22.2.
Variant type: single nucleotide variant.
Coding change: c.5205G>C on transcript NM_000038.6 (MANE Select); coding-DNA position 5205, G replaced by C.
Protein change: p.Gly1735=; no amino-acid change (glycine 1735 retained).
Molecular consequence: synonymous variant.
Genome position (GRCh38, 1-based): chr5:112,840,799, G>C. VCF-style: chr5-112840799-G-C. GRCh37 (hg19) VCF-style: chr5-112176496-G-C.
Other names: c.5205G>C, p.Gly1735= (NM_001127510.3, NM_001354895.2); c.5151G>C, p.Gly1717= (NM_001127511.3); c.5259G>C, p.Gly1753= (NM_001354896.2); c.5235G>C, p.Gly1745= (NM_001354897.2); c.5130G>C, p.Gly1710= (NM_001354898.2); c.5121G>C, p.Gly1707= (NM_001354899.2); c.5082G>C, p.Gly1694= (NM_001354900.2); c.5028G>C, p.Gly1676= (NM_001354901.2); and 5 more.
Identifiers: ClinVar variation 704734 (VCV000704734.18), dbSNP rs1580657367, ClinGen allele CA446209642.